The following is an entry in ClinVar:

NC_000003.12:g.169765058C>T

Genes: TERC (telomerase RNA component; minus strand), LOC110806306 (telomerase RNA component (TERC) promoter; plus strand). Cytogenetic location: 3q26.2.
Variant type: single nucleotide variant.
Genome position: GRCh38 VCF-style: chr3-169765058-C-T. GRCh37 (hg19) VCF-style: chr3-169482846-C-T.
Identifiers: ClinVar variation 1038826 (VCV001038826.7), dbSNP rs1351896490, ClinGen allele CA436716078.

ClinVar aggregate classification (germline): Uncertain significance (1 of 4 stars; one submission).

Conditions:
Dyskeratosis congenita, autosomal dominant 1 (DKCA1). Also called: Dyskeratosis congenita Scoggins type. Identifiers: Orphanet 1775, MedGen C4551974, MONDO:0007485, OMIM 127550. Inheritance: Variable.

Allele frequency attached by ClinVar (database versions not stated): gnomAD exomes below 0.00001.
gnomAD v4.1: 1 of 764,572 alleles (0.00013%); highest among the groups gnomAD compares: Non-Finnish European, 0.00024%; no homozygotes.

Submission:

Labcorp Genetics (formerly Invitae), Labcorp
Classification: Uncertain significance for Dyskeratosis congenita, autosomal dominant 1. Last evaluated: 2023-05-04. Review status: criteria provided, single submitter. Criteria: Invitae Variant Classification Sherloc (09022015). Collection method: clinical testing. Allele origin: germline.
Comment: This variant occurs in the TERC gene, which encodes an RNA molecule that does not result in a protein product. In summary, the available evidence is currently insufficient to determine the role of this variant in disease. Therefore, it has been classified as a Variant of Uncertain Significance. This variant is located at the 5’ end of the TERC RNA component (PMID: 15082312, 21844345). The functional significance of this region is not well understood. ClinVar contains an entry for this variant (Variation ID: 1038826). This variant has not been reported in the literature in individuals affected with TERC-related conditions. This variant is present in population databases (no rsID available, gnomAD 0.0009%).

Literature cited by the submitters: PubMed 15082312; PubMed 21844345.